The following is an entry in ClinVar:

ClinVar aggregate classification (germline): Uncertain significance (1 of 4 stars; one submission).

Submission:

Labcorp Genetics (formerly Invitae), Labcorp
Classification: Uncertain significance. Last evaluated: 2022-07-21. Review status: criteria provided, single submitter. Criteria: Invitae Variant Classification Sherloc (09022015). Collection method: clinical testing. Allele origin: germline.
Comment: In summary, the available evidence is currently insufficient to determine the role of this variant in disease. Therefore, it has been classified as a Variant of Uncertain Significance. Algorithms developed to predict the effect of missense changes on protein structure and function output the following: SIFT: "Tolerated"; PolyPhen-2: "Not Available"; Align-GVGD: "Class C0". The glutamic acid amino acid residue is found in multiple mammalian species, which suggests that this missense change does not adversely affect protein function. This variant has not been reported in the literature in individuals affected with LAGE3-related conditions. The frequency data for this variant in the population databases is considered unreliable, as metrics indicate insufficient coverage at this position in the gnomAD database. This sequence change replaces aspartic acid, which is acidic and polar, with glutamic acid, which is acidic and polar, at codon 5 of the LAGE3 protein (p.Asp5Glu).

NM_006014.5(LAGE3):c.15T>G (p.Asp5Glu)

Gene: LAGE3 (L antigen family member 3; minus strand). Cytogenetic location: Xq28.
Variant type: single nucleotide variant.
Coding change: c.15T>G on transcript NM_006014.5 (MANE Select); coding-DNA position 15, T replaced by G.
Protein change: p.Asp5Glu; replaces aspartic acid 5 with glutamic acid.
Molecular consequence: missense variant.
Genome position (GRCh38, 1-based): chrX:154,478,901, A>C on the plus strand (T>G on the coding strand, the complement: LAGE3 is on the minus strand). VCF-style: chrX-154478901-A-C. GRCh37 (hg19) VCF-style: chrX-153707240-A-C.
Other names: short protein forms D5E.
Identifiers: ClinVar variation 2018782 (VCV002018782.4), dbSNP rs2069256249, ClinGen allele CA415195139.